The following is an entry in ClinVar:

NM_005431.2(XRCC2):c.361A>G (p.Ser121Gly)

Gene: XRCC2 (X-ray repair cross complementing 2; minus strand). Cytogenetic location: 7q36.1.
Variant type: single nucleotide variant.
Coding change: c.361A>G on transcript NM_005431.2 (MANE Select); coding-DNA position 361, A replaced by G.
Protein change: p.Ser121Gly; replaces serine 121 with glycine.
Molecular consequence: missense variant.
Genome position (GRCh38, 1-based): chr7:152,649,124, T>C on the plus strand (A>G on the coding strand, the complement: XRCC2 is on the minus strand). VCF-style: chr7-152649124-T-C. GRCh37 (hg19) VCF-style: chr7-152346209-T-C.
Other names: c.361A>G (NM_005431.1); short protein forms S121G.
Identifiers: ClinVar variation 1035179 (VCV001035179.12), dbSNP rs1291263290, ClinGen allele CA370198867.

ClinVar aggregate classification (germline): Uncertain significance. Review status: criteria provided, multiple submitters, no conflicts (2 of 4 stars). 2 submissions from 2 submitters: Uncertain significance (2). Last evaluated 2024-12-09.

Conditions:
Hereditary cancer-predisposing syndrome. Also called: Hereditary neoplastic syndrome; Neoplastic Syndromes, Hereditary; Tumor predisposition; Hereditary Cancer Syndrome. Identifiers: Orphanet 140162, MedGen C0027672, MeSH D009386, MONDO:0015356.

Allele frequency attached by ClinVar (database versions not stated): TOPMed below 0.00001; gnomAD 0.00001.
gnomAD v4.1: 1 of 1,613,820 alleles (0.000062%); highest among the groups gnomAD compares: African/African-American, 0.0013%; no homozygotes.

Submissions (2):

Ambry Genetics
Classification: Uncertain significance for Hereditary cancer-predisposing syndrome. Last evaluated: 2024-12-09. Review status: criteria provided, single submitter. Criteria: Ambry Variant Classification Scheme 2023. Collection method: clinical testing. Allele origin: germline.

Labcorp Genetics (formerly Invitae), Labcorp
Classification: Uncertain significance. Last evaluated: 2022-05-05. Review status: criteria provided, single submitter. Criteria: Invitae Variant Classification Sherloc (09022015). Collection method: clinical testing. Allele origin: germline.
Comment: This sequence change replaces serine, which is neutral and polar, with glycine, which is neutral and non-polar, at codon 121 of the XRCC2 protein (p.Ser121Gly). This variant is not present in population databases (gnomAD no frequency). This variant has not been reported in the literature in individuals affected with XRCC2-related conditions. ClinVar contains an entry for this variant (Variation ID: 1035179). Algorithms developed to predict the effect of missense changes on protein structure and function output the following: SIFT: "Tolerated"; PolyPhen-2: "Benign"; Align-GVGD: "Class C0". The glycine amino acid residue is found in multiple mammalian species, which suggests that this missense change does not adversely affect protein function. In summary, the available evidence is currently insufficient to determine the role of this variant in disease. Therefore, it has been classified as a Variant of Uncertain Significance.